The following is an entry in ClinVar:

NM_144643.4(SCLT1):c.656T>C (p.Val219Ala)

Gene: SCLT1 (sodium channel and clathrin linker 1; minus strand). Cytogenetic location: 4q28.2.
Variant type: single nucleotide variant.
Coding change: c.656T>C on transcript NM_144643.4 (MANE Select); coding-DNA position 656, T replaced by C.
Protein change: p.Val219Ala; replaces valine 219 with alanine.
Molecular consequence: missense variant.
Genome position (GRCh38, 1-based): chr4:128,992,197, A>G on the plus strand (T>C on the coding strand, the complement: SCLT1 is on the minus strand). VCF-style: chr4-128992197-A-G. GRCh37 (hg19) VCF-style: chr4-129913352-A-G.
Other names: c.656T>C (NM_144643.3, NM_144643.2); short protein forms V219A.
Identifiers: ClinVar variation 1640254 (VCV001640254.11), dbSNP rs199943075, ClinGen allele CA3079860.

ClinVar aggregate classification (germline): Conflicting classifications of pathogenicity. Review status: criteria provided, conflicting classifications (1 of 4 stars). 4 submissions from 4 submitters: Uncertain significance (1); Benign (2). 1 of the submissions does not count toward it. Last evaluated 2025-09-10.

Conditions:
SCLT1-related disorder. Also called: SCLT1-related condition.

Allele frequency attached by ClinVar (database versions not stated): gnomAD exomes 0.00017 and 0.00034; gnomAD 0.00018 and 0.00019; ExAC 0.00021; TOPMed 0.00021; ESP Exome Variant Server 0.00023.
gnomAD v4.1: 303 of 1,601,506 alleles (0.019%); highest among the groups gnomAD compares: Non-Finnish European, 0.0045%; 1 homozygote.

Submissions (4):

Labcorp Genetics (formerly Invitae), Labcorp
Classification: Benign. Last evaluated: 2025-09-10. Review status: criteria provided, single submitter. Criteria: Invitae Variant Classification Sherloc (09022015). Collection method: clinical testing. Allele origin: germline.

Blueprint Genetics
Classification: Benign. Last evaluated: 2024-02-14. Review status: criteria provided, single submitter. Criteria: ACMG Guidelines, 2015. Collection method: clinical testing. Allele origin: germline.

Ambry Genetics
Classification: Uncertain significance. Last evaluated: 2022-12-19. Review status: criteria provided, single submitter. Criteria: Ambry Variant Classification Scheme 2023. Collection method: clinical testing. Allele origin: germline.

PreventionGenetics, part of Exact Sciences
Classification: Likely benign for SCLT1-related condition. Last evaluated: 2024-08-06. Review status: no assertion criteria provided. Collection method: clinical testing. Allele origin: germline. Not counted in ClinVar's aggregate classification.
Comment: This variant is classified as likely benign based on ACMG/AMP sequence variant interpretation guidelines (Richards et al. 2015 PMID: 25741868, with internal and published modifications).